The following is an entry in ClinVar:

ClinVar aggregate classification (germline): Uncertain significance (1 of 4 stars; one submission).

Conditions:
Bardet-Biedl syndrome (BBS). Identifiers: Orphanet 110, MedGen C0752166, MONDO:0015229.

Submission:

Labcorp Genetics (formerly Invitae), Labcorp
Classification: Uncertain significance for Bardet-Biedl syndrome. Last evaluated: 2022-10-13. Review status: criteria provided, single submitter. Criteria: Invitae Variant Classification Sherloc (09022015). Collection method: clinical testing. Allele origin: germline.
Comment: This sequence change replaces aspartic acid, which is acidic and polar, with histidine, which is basic and polar, at codon 697 of the WDPCP protein (p.Asp697His). This variant is not present in population databases (gnomAD no frequency). This variant has not been reported in the literature in individuals affected with WDPCP-related conditions. Algorithms developed to predict the effect of missense changes on protein structure and function (SIFT, PolyPhen-2, Align-GVGD) all suggest that this variant is likely to be tolerated. In summary, the available evidence is currently insufficient to determine the role of this variant in disease. Therefore, it has been classified as a Variant of Uncertain Significance.

NM_015910.7(WDPCP):c.2089G>C (p.Asp697His)

Gene: WDPCP (WD repeat containing planar cell polarity effector; minus strand). Cytogenetic location: 2p15.
Variant type: single nucleotide variant.
Coding change: c.2089G>C on transcript NM_015910.7 (MANE Select); coding-DNA position 2089, G replaced by C.
Protein change: p.Asp697His; replaces aspartic acid 697 with histidine.
Molecular consequence: missense variant. On other transcripts: non-coding transcript variant (3).
Genome position (GRCh38, 1-based): chr2:63,153,564, C>G on the plus strand (G>C on the coding strand, the complement: WDPCP is on the minus strand). VCF-style: chr2-63153564-C-G. GRCh37 (hg19) VCF-style: chr2-63380699-C-G.
Other names: c.1612G>C, p.Asp538His (NM_001042692.3); c.2017G>C, p.Asp673His (NM_001354044.2); short protein forms D538H, D673H, D697H.
Identifiers: ClinVar variation 1713716 (VCV001713716.5), dbSNP rs2469145337, ClinGen allele CA347061363.
Genomic context (GRCh38, chr2:63,153,564, plus strand): 5'-TACAGGTATTAGTCATCAAAAATCCAGAACAGATGTCTTTTTCAAGTTCATTCCTTCTGT[C>G]AATTATTTGTCTGCAGTATATGGGTGTTTTTAATTGGAAAAAGGATTAAAAAAGAAAATT-3'
Protein context (NP_056994.3, residues 687-707): LNGSSNRQII[Asp697His]RRNELEKDIC